The following is an entry in ClinVar:

NM_001130144.3(LTBP3):c.409G>A (p.Gly137Arg)

Gene: LTBP3 (latent transforming growth factor beta binding protein 3; minus strand). Cytogenetic location: 11q13.1.
Variant type: single nucleotide variant.
Coding change: c.409G>A on transcript NM_001130144.3 (MANE Select); coding-DNA position 409, G replaced by A.
Protein change: p.Gly137Arg; replaces glycine 137 with arginine.
Molecular consequence: missense variant.
Genome position (GRCh38, 1-based): chr11:65,554,303, C>T on the plus strand (G>A on the coding strand, the complement: LTBP3 is on the minus strand). VCF-style: chr11-65554303-C-T. GRCh37 (hg19) VCF-style: chr11-65321774-C-T.
Other names: c.58G>A, p.Gly20Arg (NM_001164266.1); c.409G>A, p.Gly137Arg (NM_021070.4); short protein forms G20R, G137R.
Identifiers: ClinVar variation 1489646 (VCV001489646.6), dbSNP rs2135160170, ClinGen allele CA381276673.

ClinVar aggregate classification (germline): Uncertain significance (1 of 4 stars; one submission).

Conditions:
Brachyolmia-amelogenesis imperfecta syndrome. Also called: Dental anomalies and short stature; PLATYSPONDYLY WITH AMELOGENESIS IMPERFECTA; Tooth agenesis, selective, 6. Identifiers: Orphanet 2899, MedGen C1832594, MONDO:0011018, OMIM 601216. Disease mechanism: loss of function.

Submission:

Labcorp Genetics (formerly Invitae), Labcorp
Classification: Uncertain significance for Brachyolmia-amelogenesis imperfecta syndrome. Last evaluated: 2021-10-25. Review status: criteria provided, single submitter. Criteria: Invitae Variant Classification Sherloc (09022015). Collection method: clinical testing. Allele origin: germline.
Comment: In summary, the available evidence is currently insufficient to determine the role of this variant in disease. Therefore, it has been classified as a Variant of Uncertain Significance. Algorithms developed to predict the effect of sequence changes on RNA splicing suggest that this variant may create or strengthen a splice site. Algorithms developed to predict the effect of missense changes on protein structure and function are either unavailable or do not agree on the potential impact of this missense change (SIFT: "Deleterious"; PolyPhen-2: "Probably Damaging"; Align-GVGD: "Class C15"). This variant has not been reported in the literature in individuals affected with LTBP3-related conditions. This variant is not present in population databases (gnomAD no frequency). This sequence change replaces glycine, which is neutral and non-polar, with arginine, which is basic and polar, at codon 137 of the LTBP3 protein (p.Gly137Arg).